The following is an entry in ClinVar:

NM_017813.5(BPNT2):c.886A>G (p.Ile296Val)

Gene: BPNT2 (3'(2'), 5'-bisphosphate nucleotidase 2; minus strand). Cytogenetic location: 8q12.1.
Variant type: single nucleotide variant.
Coding change: c.886A>G on transcript NM_017813.5 (MANE Select); coding-DNA position 886, A replaced by G.
Protein change: p.Ile296Val; replaces isoleucine 296 with valine.
Molecular consequence: missense variant.
Genome position (GRCh38, 1-based): chr8:56,963,987, T>C on the plus strand (A>G on the coding strand, the complement: BPNT2 is on the minus strand). VCF-style: chr8-56963987-T-C. GRCh37 (hg19) VCF-style: chr8-57876546-T-C.
Other names: short protein forms I296V.
Identifiers: ClinVar variation 1905300 (VCV001905300.5), dbSNP rs775242998, ClinGen allele CA4755784.

ClinVar aggregate classification (germline): Uncertain significance (1 of 4 stars; one submission).

Allele frequency attached by ClinVar (database versions not stated): gnomAD exomes below 0.00001; ExAC 0.00001.
gnomAD v4.1: 6 of 1,613,204 alleles (0.00037%); highest among the groups gnomAD compares: Non-Finnish European, 0.00051%; no homozygotes.

Submission:

Labcorp Genetics (formerly Invitae), Labcorp
Classification: Uncertain significance. Last evaluated: 2022-06-07. Review status: criteria provided, single submitter. Criteria: Invitae Variant Classification Sherloc (09022015). Collection method: clinical testing. Allele origin: germline.
Comment: This sequence change replaces isoleucine, which is neutral and non-polar, with valine, which is neutral and non-polar, at codon 296 of the IMPAD1 protein (p.Ile296Val). In summary, the available evidence is currently insufficient to determine the role of this variant in disease. Therefore, it has been classified as a Variant of Uncertain Significance. Algorithms developed to predict the effect of missense changes on protein structure and function are either unavailable or do not agree on the potential impact of this missense change (SIFT: "Tolerated"; PolyPhen-2: "Probably Damaging"; Align-GVGD: "Class C0"). This variant is present in population databases (rs775242998, gnomAD 0.0009%). This variant has not been reported in the literature in individuals affected with IMPAD1-related conditions.